The following is an entry in ClinVar:

NM_006904.7(PRKDC):c.2920T>G (p.Cys974Gly)

Gene: PRKDC (protein kinase, DNA-activated, catalytic subunit; minus strand). Cytogenetic location: 8q11.21.
Variant type: single nucleotide variant.
Coding change: c.2920T>G on transcript NM_006904.7 (MANE Select); coding-DNA position 2920, T replaced by G.
Protein change: p.Cys974Gly; replaces cysteine 974 with glycine.
Molecular consequence: missense variant.
Genome position (GRCh38, 1-based): chr8:47,912,424, A>C on the plus strand (T>G on the coding strand, the complement: PRKDC is on the minus strand). VCF-style: chr8-47912424-A-C. GRCh37 (hg19) VCF-style: chr8-48824984-A-C.
Other names: c.2920T>G, p.Cys974Gly (NM_001081640.2); short protein forms C974G.
Identifiers: ClinVar variation 1797714 (VCV001797714.2), dbSNP rs2551876640, ClinGen allele CA371158635.

ClinVar aggregate classification (germline): Uncertain significance (1 of 4 stars; one submission).

Submission:

Ambry Genetics
Classification: Uncertain significance. Last evaluated: 2021-12-10. Review status: criteria provided, single submitter. Criteria: Ambry Variant Classification Scheme 2023. Collection method: clinical testing. Allele origin: germline.
Comment: The p.C974G variant (also known as c.2920T>G), located in coding exon 25 of the PRKDC gene, results from a T to G substitution at nucleotide position 2920. The cysteine at codon 974 is replaced by glycine, an amino acid with highly dissimilar properties. This amino acid position is conserved. In addition, this alteration is predicted to be deleterious by in silico analysis. Since supporting evidence is limited at this time, the clinical significance of this alteration remains unclear.